The following is an entry in ClinVar:

ClinVar aggregate classification (germline): Uncertain significance. Review status: criteria provided, multiple submitters, no conflicts (2 of 4 stars). 2 submissions from 2 submitters: Uncertain significance (2). Last evaluated 2024-02-22.

Conditions:
Hereditary cancer-predisposing syndrome. Also called: Neoplastic Syndromes, Hereditary; Tumor predisposition; Hereditary neoplastic syndrome; Hereditary Cancer Syndrome. Identifiers: Orphanet 140162, MedGen C0027672, MeSH D009386, MONDO:0015356.
Cardiovascular phenotype. Identifiers: MedGen CN230736.
Juvenile myelomonocytic leukemia (JMML). Also called: LEUKEMIA, JUVENILE MYELOMONOCYTIC, SOMATIC. Identifiers: Orphanet 86834, MedGen C0349639, MONDO:0011908, OMIM 607785, HP:0012209.

Submissions (2):

Baylor Genetics
Classification: Uncertain significance for Juvenile myelomonocytic leukemia. Last evaluated: 2024-02-22. Review status: criteria provided, single submitter. Criteria: ACMG Guidelines, 2015. Collection method: clinical testing. Allele origin: unknown.

Ambry Genetics
Classification: Uncertain significance for Cardiovascular phenotype; Hereditary cancer-predisposing syndrome. Last evaluated: 2024-02-20. Review status: criteria provided, single submitter. Criteria: Ambry Variant Classification Scheme 2023. Collection method: clinical testing. Allele origin: germline.
Comment: The p.E37A variant (also known as c.110A>C), located in coding exon 2 of the NF1 gene, results from an A to C substitution at nucleotide position 110. The glutamic acid at codon 37 is replaced by alanine, an amino acid with dissimilar properties. This amino acid position is highly conserved in available vertebrate species. In addition, this alteration is predicted to be tolerated by in silico analysis. Based on the available evidence, the clinical significance of this alteration remains unclear.

NM_001042492.3(NF1):c.110A>C (p.Glu37Ala)

Gene: NF1 (neurofibromin 1; plus strand). Cytogenetic location: 17q11.2.
Variant type: single nucleotide variant.
Coding change: c.110A>C on transcript NM_001042492.3 (MANE Select); coding-DNA position 110, A replaced by C.
Protein change: p.Glu37Ala; replaces glutamic acid 37 with alanine.
Molecular consequence: missense variant.
Genome position (GRCh38, 1-based): chr17:31,156,032, A>C. VCF-style: chr17-31156032-A-C. GRCh37 (hg19) VCF-style: chr17-29483050-A-C.
Other names: c.110A>C, p.Glu37Ala (NM_000267.4, NM_001128147.3); short protein forms E37A.
Identifiers: ClinVar variation 3237957 (VCV003237957.2), dbSNP rs2143625983.